The following is an entry in ClinVar:

ClinVar aggregate classification (germline): Pathogenic (1 of 4 stars; one submission).

Submission:

Labcorp Genetics (formerly Invitae), Labcorp
Classification: Pathogenic. Last evaluated: 2023-03-04. Review status: criteria provided, single submitter. Criteria: Invitae Variant Classification Sherloc (09022015). Collection method: clinical testing. Allele origin: germline.
Comment: This sequence change creates a premature translational stop signal (p.Gln124Hisfs*42) in the TCIRG1 gene. It is expected to result in an absent or disrupted protein product. Loss-of-function variants in TCIRG1 are known to be pathogenic (PMID: 10888887, 10942435, 11532986, 19448635). This variant is not present in population databases (gnomAD no frequency). This variant has not been reported in the literature in individuals affected with TCIRG1-related conditions. For these reasons, this variant has been classified as Pathogenic.

Literature cited by the submitters: PubMed 10888887; PubMed 10942435; PubMed 11532986; PubMed 19448635.

NM_006019.4(TCIRG1):c.372del (p.Gln124fs)

Gene: TCIRG1 (T cell immune regulator 1, ATPase H+ transporting V0 subunit a3; plus strand). Cytogenetic location: 11q13.2.
Variant type: Deletion.
Coding change: c.372del on transcript NM_006019.4 (MANE Select); coding-DNA position 372, one base deleted (G; older notation c.372delG).
Protein change: p.Gln124fs; shifts the reading frame from glutamine 124.
Molecular consequence: frameshift variant. On other transcripts: 5 prime UTR variant (1).
Genome position (GRCh38, 1-based): chr11:68,042,818, G deleted. VCF-style (leftmost placement, unchanged base first): chr11-68042817-AG-A. GRCh37 (hg19) VCF-style: chr11-67810284-AG-A.
Other names: c.-878del (NM_001351059.2); short protein forms Q124fs.
Identifiers: ClinVar variation 2842986 (VCV002842986.3), dbSNP rs2495615815, ClinGen allele CA2739270583.
Genomic context (GRCh38, chr11:68,042,817, plus strand): 5'-TGGCCCAGGAGCTGCGGGATGTGCGGGGCAACCAGCAGGCCCTGCGGGCCCAGCTGCACC[AG>A]CTGCAGCTCCACGCCGCCGTGCTACGCCAGGGCCATGAACCTCAGGTCAGCTCCCACCCA-3'